The following is an entry in ClinVar:

NM_000453.3(SLC5A5):c.1058+1G>A

Gene: SLC5A5 (solute carrier family 5 member 5; plus strand). Cytogenetic location: 19p13.11.
Variant type: single nucleotide variant.
Coding change: c.1058+1G>A on transcript NM_000453.3 (MANE Select); the canonical splice donor site of the intron after coding-DNA position 1058, G replaced by A.
Molecular consequence: splice donor variant.
Genome position (GRCh38, 1-based): chr19:17,880,954, G>A. VCF-style: chr19-17880954-G-A. GRCh37 (hg19) VCF-style: chr19-17991763-G-A.
Identifiers: ClinVar variation 2729650 (VCV002729650.3), dbSNP rs1440920591, ClinGen allele CA404766243.

ClinVar aggregate classification (germline): Likely pathogenic (1 of 4 stars; one submission).

Allele frequency attached by ClinVar (database versions not stated): gnomAD exomes below 0.00001.
gnomAD v4.1: 1 of 1,611,124 alleles (0.000062%); highest among the groups gnomAD compares: East Asian, 0.0022%; no homozygotes.

Submission:

Labcorp Genetics (formerly Invitae), Labcorp
Classification: Likely pathogenic. Last evaluated: 2023-06-27. Review status: criteria provided, single submitter. Criteria: Invitae Variant Classification Sherloc (09022015). Collection method: clinical testing. Allele origin: germline.
Comment: This sequence change affects a donor splice site in intron 8 of the SLC5A5 gene. It is expected to disrupt RNA splicing. Variants that disrupt the donor or acceptor splice site typically lead to a loss of protein function (PMID: 16199547), and loss-of-function variants in SLC5A5 are known to be pathogenic (PMID: 9388506, 9486973). This variant is not present in population databases (gnomAD no frequency). This variant has not been reported in the literature in individuals affected with SLC5A5-related conditions. Algorithms developed to predict the effect of sequence changes on RNA splicing suggest that this variant may disrupt the consensus splice site. In summary, the currently available evidence indicates that the variant is pathogenic, but additional data are needed to prove that conclusively. Therefore, this variant has been classified as Likely Pathogenic.

Literature cited by the submitters: PubMed 16199547; PubMed 9388506; PubMed 9486973.